The following is an entry in ClinVar:

NM_000883.4(IMPDH1):c.232A>T (p.Met78Leu)

Gene: IMPDH1 (inosine monophosphate dehydrogenase 1; minus strand). Cytogenetic location: 7q32.1.
Variant type: single nucleotide variant.
Coding change: c.232A>T on transcript NM_000883.4 (MANE Select); coding-DNA position 232, A replaced by T.
Protein change: p.Met78Leu; replaces methionine 78 with leucine.
Molecular consequence: missense variant. On other transcripts: intron variant (2).
Genome position (GRCh38, 1-based): chr7:128,409,311, T>A on the plus strand (A>T on the coding strand, the complement: IMPDH1 is on the minus strand). VCF-style: chr7-128409311-T-A. GRCh37 (hg19) VCF-style: chr7-128049365-T-A.
Other names: c.232A>T, p.Met78Leu (NM_001142576.2); c.146+445A>T (NM_001304521.2, NM_183243.3); c.202A>T, p.Met68Leu (NM_001102605.2); short protein forms M68L, M78L.
Identifiers: ClinVar variation 2079725 (VCV002079725.4), dbSNP rs2535810242, ClinGen allele CA369180697.

ClinVar aggregate classification (germline): Uncertain significance (1 of 4 stars; one submission).

Submission:

Labcorp Genetics (formerly Invitae), Labcorp
Classification: Uncertain significance. Last evaluated: 2024-02-24. Review status: criteria provided, single submitter. Criteria: Invitae Variant Classification Sherloc (09022015). Collection method: clinical testing. Allele origin: germline.
Comment: This sequence change replaces methionine, which is neutral and non-polar, with leucine, which is neutral and non-polar, at codon 78 of the IMPDH1 protein (p.Met78Leu). This variant is not present in population databases (gnomAD no frequency). This variant has not been reported in the literature in individuals affected with IMPDH1-related conditions. ClinVar contains an entry for this variant (Variation ID: 2079725). An algorithm developed to predict the effect of missense changes on protein structure and function (PolyPhen-2) suggests that this variant is likely to be tolerated. In summary, the available evidence is currently insufficient to determine the role of this variant in disease. Therefore, it has been classified as a Variant of Uncertain Significance.